The following is an entry in ClinVar:

ClinVar aggregate classification (germline): Uncertain significance (1 of 4 stars; one submission).

Submission:

Dasa
Classification: Uncertain significance. Last evaluated: 2026-03-26. Review status: criteria provided, single submitter. Criteria: DASA Assertion Criteria. Collection method: clinical testing. Allele origin: germline.
Comment: NM_004523.4(KIF11):c.2179A>G (p.Asn727Asp) is a missense variant that results in the substitution of asparagine with aspartic acid. This variant is rare in population databases. Computational prediction algorithms are consistent with a benign effect. The currently available literature and clinical evidence are not sufficient to establish a definitive association between this variant and the reported condition. Therefore, this variant is classified as a variant of uncertain significance.

NM_004523.4(KIF11):c.2179A>G (p.Asn727Asp)

Gene: KIF11 (kinesin family member 11; plus strand). Cytogenetic location: 10q23.33.
Variant type: single nucleotide variant.
Coding change: c.2179A>G on transcript NM_004523.4 (MANE Select); coding-DNA position 2179, A replaced by G.
Protein change: p.Asn727Asp; replaces asparagine 727 with aspartic acid.
Molecular consequence: missense variant.
Genome position (GRCh38, 1-based): chr10:92,639,812, A>G. VCF-style: chr10-92639812-A-G. GRCh37 (hg19) VCF-style: chr10-94399569-A-G.
Other names: short protein forms N727D.
Identifiers: ClinVar variation 4882539 (VCV004882539.2).